The following is an entry in ClinVar:

NM_001103.4(ACTN2):c.368T>C (p.Val123Ala)

Gene: ACTN2 (actinin alpha 2; plus strand). Cytogenetic location: 1q43.
Variant type: single nucleotide variant.
Coding change: c.368T>C on transcript NM_001103.4 (MANE Select); coding-DNA position 368, T replaced by C.
Protein change: p.Val123Ala; replaces valine 123 with alanine.
Molecular consequence: missense variant. On other transcripts: 5 prime UTR variant (1).
Genome position (GRCh38, 1-based): chr1:236,720,111, T>C. VCF-style: chr1-236720111-T-C. GRCh37 (hg19) VCF-style: chr1-236883411-T-C.
Other names: c.368T>C, p.Val123Ala (NM_001278343.2); c.-454T>C (NM_001278344.2); c.-579T>C (NM_001412150.1); short protein forms V123A.
Identifiers: ClinVar variation 1733955 (VCV001733955.2), dbSNP rs2527542789, ClinGen allele CA345373734.

ClinVar aggregate classification (germline): Uncertain significance (1 of 4 stars; one submission).

Conditions:
Cardiovascular phenotype. Identifiers: MedGen CN230736.

Submission:

Ambry Genetics
Classification: Uncertain significance for Cardiovascular phenotype. Last evaluated: 2022-08-03. Review status: criteria provided, single submitter. Criteria: Ambry Variant Classification Scheme 2023. Collection method: clinical testing. Allele origin: germline.
Comment: The p.V123A variant (also known as c.368T>C), located in coding exon 4 of the ACTN2 gene, results from a T to C substitution at nucleotide position 368. The valine at codon 123 is replaced by alanine, an amino acid with similar properties. This amino acid position is conserved. In addition, this alteration is predicted to be deleterious by in silico analysis. Since supporting evidence is limited at this time, the clinical significance of this alteration remains unclear.